The following is an entry in ClinVar:

ClinVar aggregate classification (germline): Benign/Likely benign. Review status: criteria provided, multiple submitters, no conflicts (2 of 4 stars). 5 submissions from 5 submitters: Benign (1); Likely benign (4). Last evaluated 2026-01-26.

Conditions:
Hereditary cancer-predisposing syndrome. Also called: Tumor predisposition; Neoplastic Syndromes, Hereditary; Hereditary Cancer Syndrome; Hereditary neoplastic syndrome. Identifiers: Orphanet 140162, MedGen C0027672, MeSH D009386, MONDO:0015356.
Juvenile polyposis syndrome (JPS). Identifiers: Orphanet 2929, MedGen C0345893, MONDO:0017380, OMIM 174900.

Allele frequency attached by ClinVar (database versions not stated): gnomAD exomes 0.00001; ExAC 0.00003.
gnomAD v4.1: 7 of 1,613,764 alleles (0.00043%); highest among the groups gnomAD compares: East Asian, 0.0022%; no homozygotes.

Submissions (5):

Labcorp Genetics (formerly Invitae), Labcorp
Classification: Likely benign for Juvenile polyposis syndrome. Last evaluated: 2026-01-26. Review status: criteria provided, single submitter. Criteria: Invitae Variant Classification Sherloc (09022015). Collection method: clinical testing. Allele origin: germline.

Myriad Genetics, Inc.
Classification: Benign for Juvenile polyposis syndrome. Last evaluated: 2024-08-05. Review status: criteria provided, single submitter. Criteria: Myriad Autosomal Dominant, Autosomal Recessive and X-Linked Classification Criteria (2023). Collection method: clinical testing. Allele origin: unknown.
Comment: This variant is considered benign. This variant is a silent/synonymous amino acid change and it is not expected to impact splicing.

All of Us Research Program, National Institutes of Health
Classification: Likely benign for Juvenile polyposis syndrome. Last evaluated: 2023-11-30. Review status: criteria provided, single submitter. Criteria: ACMG Guidelines, 2015. Collection method: clinical testing. Allele origin: germline. Inheritance: Autosomal dominant inheritance. Observed: 3 variant alleles, 3 heterozygotes.
Comment: This study involves interpretation of variants in research participants for the purpose of population health screening. Participant phenotype was not available at the time of variant classification. Additional details can be found in publication PMID: 35346344, PMCID: PMC8962531

Color Diagnostics, LLC DBA Color Health
Classification: Likely benign for Hereditary cancer-predisposing syndrome. Last evaluated: 2023-03-15. Review status: criteria provided, single submitter. Criteria: ACMG Guidelines, 2015. Collection method: clinical testing. Allele origin: germline.

Ambry Genetics
Classification: Likely benign for Hereditary cancer-predisposing syndrome. Last evaluated: 2016-08-19. Review status: criteria provided, single submitter. Criteria: Ambry Variant Classification Scheme 2023. Collection method: clinical testing. Allele origin: germline.

NM_004329.3(BMPR1A):c.789C>T (p.Phe263=)

Gene: BMPR1A (bone morphogenetic protein receptor type 1A; plus strand). Cytogenetic location: 10q23.2.
Variant type: single nucleotide variant.
Coding change: c.789C>T on transcript NM_004329.3 (MANE Select); coding-DNA position 789, C replaced by T.
Protein change: p.Phe263=; no amino-acid change (phenylalanine 263 retained).
Molecular consequence: synonymous variant.
Genome position (GRCh38, 1-based): chr10:86,917,247, C>T. VCF-style: chr10-86917247-C-T. GRCh37 (hg19) VCF-style: chr10-88677004-C-T.
Identifiers: ClinVar variation 486815 (VCV000486815.20), dbSNP rs771932684, ClinGen allele CA5585609.